The following is an entry in ClinVar:

NM_001735.3(C5):c.2002C>A (p.Pro668Thr)

Gene: C5 (complement C5; minus strand). Cytogenetic location: 9q33.2.
Variant type: single nucleotide variant.
Coding change: c.2002C>A on transcript NM_001735.3 (MANE Select); coding-DNA position 2002, C replaced by A.
Protein change: p.Pro668Thr; replaces proline 668 with threonine.
Molecular consequence: missense variant.
Genome position (GRCh38, 1-based): chr9:121,015,256, G>T on the plus strand (C>A on the coding strand, the complement: C5 is on the minus strand). VCF-style: chr9-121015256-G-T. GRCh37 (hg19) VCF-style: chr9-123777534-G-T.
Other names: c.2020C>A, p.Pro674Thr (NM_001317163.2); c.2002C>A, p.Pro668Thr (NM_001317164.2); short protein forms P668T, P674T.
Identifiers: ClinVar variation 3483658 (VCV003483658.2).
Genomic context (GRCh38, chr9:121,015,256, plus strand): 5'-TACCTATTTCTTCTATCTTCTTTTGCAGCGTTCTTCTTGGCCTGAGAATTTCTTTACAAG[G>T]TTCATCTGGTTTTTTTAAAAAAAGATAAAGAAGAAGGATTAAAAAGGAGATAAAATCTCA-3'
Protein context (NP_001726.2, residues 658-678): NADDSQENDE[Pro668Thr]CKEILRPRRT

ClinVar aggregate classification (germline): Uncertain significance. Review status: criteria provided, multiple submitters, no conflicts (2 of 4 stars). 2 submissions from 2 submitters: Uncertain significance (2). Last evaluated 2024-10-28.

gnomAD v4.1: 17 of 1,599,620 alleles (0.0011%); highest among the groups gnomAD compares: Admixed American, 0.02%; no homozygotes.

Submissions (2):

Labcorp Genetics (formerly Invitae), Labcorp
Classification: Uncertain significance. Last evaluated: 2024-10-28. Review status: criteria provided, single submitter. Criteria: Invitae Variant Classification Sherloc (09022015). Collection method: clinical testing. Allele origin: germline.
Comment: This sequence change replaces proline, which is neutral and non-polar, with threonine, which is neutral and polar, at codon 668 of the C5 protein (p.Pro668Thr). This variant is present in population databases (rs201484231, gnomAD 0.01%). This variant has not been reported in the literature in individuals affected with C5-related conditions. Invitae Evidence Modeling of protein sequence and biophysical properties (such as structural, functional, and spatial information, amino acid conservation, physicochemical variation, residue mobility, and thermodynamic stability) indicates that this missense variant is not expected to disrupt C5 protein function with a negative predictive value of 80%. In summary, the available evidence is currently insufficient to determine the role of this variant in disease. Therefore, it has been classified as a Variant of Uncertain Significance.

Ambry Genetics
Classification: Uncertain significance. Last evaluated: 2024-08-14. Review status: criteria provided, single submitter. Criteria: Ambry Variant Classification Scheme 2023. Collection method: clinical testing. Allele origin: germline.